The following is an entry in ClinVar:

NM_001100913.3(PACS2):c.2426C>T (p.Ala809Val)

Gene: PACS2 (phosphofurin acidic cluster sorting protein 2; plus strand). Cytogenetic location: 14q32.33.
Variant type: single nucleotide variant.
Coding change: c.2426C>T on transcript NM_001100913.3 (MANE Select); coding-DNA position 2426, C replaced by T.
Protein change: p.Ala809Val; replaces alanine 809 with valine.
Molecular consequence: missense variant.
Genome position (GRCh38, 1-based): chr14:105,392,789, C>T. VCF-style: chr14-105392789-C-T. GRCh37 (hg19) VCF-style: chr14-105859126-C-T.
Other names: c.2156C>T, p.Ala719Val (NM_001243127.3); c.2381C>T, p.Ala794Val (NM_015197.4); short protein forms A719V, A794V, A809V.
Identifiers: ClinVar variation 4083265 (VCV004083265.1).

ClinVar aggregate classification (germline): Uncertain significance (1 of 4 stars; one submission).

gnomAD v4.1: 3 of 1,610,232 alleles (0.00019%); highest among the groups gnomAD compares: African/African-American, 0.0027%; no homozygotes.

Submission:

GeneDx
Classification: Uncertain significance. Last evaluated: 2025-03-10. Review status: criteria provided, single submitter. Criteria: GeneDx Variant Classification Process June 2021. Collection method: clinical testing. Allele origin: germline. Affected: yes.
Comment: Not observed at significant frequency in large population cohorts (gnomAD); In silico analysis indicates that this missense variant does not alter protein structure/function; Has not been previously published as pathogenic or benign to our knowledge